The following is an entry in ClinVar:

ClinVar aggregate classification (germline): Uncertain significance (1 of 4 stars; one submission).

Conditions:
Progressive sclerosing poliodystrophy (MTDPS4A). Also called: Mitochondrial DNA depletion syndrome 4A (Alpers type); ALPERS PROGRESSIVE INFANTILE POLIODYSTROPHY; NEURONAL DEGENERATION OF CHILDHOOD WITH LIVER DISEASE, PROGRESSIVE; Mitochondrial DNA Depletion Syndrome 4A; Alpers-Huttenlocher Syndrome (AHS); Alpers Syndrome. Identifiers: Orphanet 726, MedGen C0205710, MONDO:0008758, OMIM 203700.

Submission:

Labcorp Genetics (formerly Invitae), Labcorp
Classification: Uncertain significance for Progressive sclerosing poliodystrophy. Last evaluated: 2022-06-13. Review status: criteria provided, single submitter. Criteria: Invitae Variant Classification Sherloc (09022015). Collection method: clinical testing. Allele origin: germline.
Comment: In summary, the available evidence is currently insufficient to determine the role of this variant in disease. Therefore, it has been classified as a Variant of Uncertain Significance. Algorithms developed to predict the effect of missense changes on protein structure and function are either unavailable or do not agree on the potential impact of this missense change (SIFT: "Deleterious"; PolyPhen-2: "Probably Damaging"; Align-GVGD: "Class C0"). This variant has not been reported in the literature in individuals affected with POLG-related conditions. This variant is not present in population databases (gnomAD no frequency). This sequence change replaces proline, which is neutral and non-polar, with threonine, which is neutral and polar, at codon 753 of the POLG protein (p.Pro753Thr).

NM_002693.3(POLG):c.2257C>A (p.Pro753Thr)

Gene: POLG (DNA polymerase gamma, catalytic subunit; minus strand). Cytogenetic location: 15q26.1.
Variant type: single nucleotide variant.
Coding change: c.2257C>A on transcript NM_002693.3 (MANE Select); coding-DNA position 2257, C replaced by A.
Protein change: p.Pro753Thr; replaces proline 753 with threonine.
Molecular consequence: missense variant.
Genome position (GRCh38, 1-based): chr15:89,323,412, G>T on the plus strand (C>A on the coding strand, the complement: POLG is on the minus strand). VCF-style: chr15-89323412-G-T. GRCh37 (hg19) VCF-style: chr15-89866643-G-T.
Other names: c.2257C>A, p.Pro753Thr (NM_001126131.2); short protein forms P753T.
Identifiers: ClinVar variation 1391933 (VCV001391933.8), dbSNP rs1446536384, ClinGen allele CA393756640.